The following is an entry in ClinVar:

ClinVar aggregate classification (germline): Likely benign. Review status: criteria provided, multiple submitters, no conflicts (2 of 4 stars). 2 submissions from 2 submitters: Likely benign (2). Last evaluated 2025-10-10.

gnomAD v4.1: 51 of 1,613,926 alleles (0.0032%); highest among the groups gnomAD compares: Non-Finnish European, 0.004%; no homozygotes.

Submissions (2):

Mayo Clinic Laboratories, Mayo Clinic
Classification: Likely benign. Last evaluated: 2025-10-10. Review status: criteria provided, single submitter. Criteria: ACMG Guidelines, 2015. Collection method: clinical testing. Allele origin: germline. Observed: 1 variant allele.
Comment: BP4, BP7, PM2_supporting

Labcorp Genetics (formerly Invitae), Labcorp
Classification: Likely benign. Last evaluated: 2025-06-04. Review status: criteria provided, single submitter. Criteria: Invitae Variant Classification Sherloc (09022015). Collection method: clinical testing. Allele origin: germline.

NM_018646.6(TRPV6):c.717G>A (p.Val239=)

Gene: TRPV6 (transient receptor potential cation channel subfamily V member 6; minus strand). Cytogenetic location: 7q34.
Variant type: single nucleotide variant.
Coding change: c.717G>A on transcript NM_018646.6 (MANE Select); coding-DNA position 717, G replaced by A.
Protein change: p.Val239=; no amino-acid change (valine 239 retained).
Molecular consequence: synonymous variant.
Genome position (GRCh38, 1-based): chr7:142,876,573, C>T on the plus strand (G>A on the coding strand, the complement: TRPV6 is on the minus strand). VCF-style: chr7-142876573-C-T. GRCh37 (hg19) VCF-style: chr7-142574326-C-T.
Other names: p.Val239=.
Identifiers: ClinVar variation 4683318 (VCV004683318.2).